The following is an entry in ClinVar:

NM_000130.5(F5):c.5144G>A (p.Arg1715Gln)

Gene: F5 (coagulation factor V; minus strand). Cytogenetic location: 1q24.2.
Variant type: single nucleotide variant.
Coding change: c.5144G>A on transcript NM_000130.5 (MANE Select); coding-DNA position 5144, G replaced by A.
Protein change: p.Arg1715Gln; replaces arginine 1715 with glutamine.
Molecular consequence: missense variant.
Genome position (GRCh38, 1-based): chr1:169,530,850, C>T on the plus strand (G>A on the coding strand, the complement: F5 is on the minus strand). VCF-style: chr1-169530850-C-T. GRCh37 (hg19) VCF-style: chr1-169500088-C-T.
Other names: short protein forms R1715Q.
Identifiers: ClinVar variation 874864 (VCV000874864.5), dbSNP rs1194089741, ClinGen allele CA343132614.
Genomic context (GRCh38, chr1:169,530,850, plus strand): 5'-TTCACAGCTGAGTAGTAGGCCCAAGCCCGACAGGCAGAGCCAGGACTTTCTGGCCCTGAT[C>T]GCTCAGTGGCATGCCATACGTAGGTATAACTGCTATTTGGCTGAACAGCATTATCTTCCT-3'
Protein context (NP_000121.2, residues 1705-1725): SYTYVWHATE[Arg1715Gln]SGPESPGSAC

ClinVar aggregate classification (germline): Uncertain significance. Review status: criteria provided, multiple submitters, no conflicts (2 of 4 stars). 5 submissions from 2 submitters: Uncertain significance (5). Last evaluated 2025-08-20.

Conditions:
Thrombophilia due to thrombin defect (THPH1). Also called: Prothrombin Thrombophilia; Thrombosis susceptibility; THROMBOPHILIA DUE TO FACTOR 2 DEFECT; Prothrombin-Related Thrombophilia (Factor II). Identifiers: MedGen C3160733, MONDO:0008559, OMIM 188050. Disease mechanism: gain of function, loss of function.
Congenital factor V deficiency. Also called: Hereditary factor V deficiency disease; LABILE FACTOR DEFICIENCY; OWREN PARAHEMOPHILIA; PARAHEMOPHILIA. Identifiers: Orphanet 326, MedGen C0015499, MONDO:0009210, OMIM 227400.
Budd-Chiari syndrome (BDCHS). Also called: Hepatic vein obstruction. Identifiers: Orphanet 131, MedGen C0856761, MONDO:0010947, OMIM 600880, HP:0002639.
Thrombophilia due to activated protein C resistance (THPH2). Also called: THROMBOPHILIA DUE TO DEFICIENCY OF ACTIVATED PROTEIN C COFACTOR; THROMBOPHILIA V; APC resistance; Activated protein C resistance; Hereditary Resistance to Activated Protein C; PCCF DEFICIENCY. Identifiers: MedGen C1861171, MONDO:0008560, OMIM 188055. Disease mechanism: loss of function, gain of function.
Factor V deficiency. Also called: Reduced coagulation factor V activity. Identifiers: Orphanet 326, MedGen C4317320, MONDO:0020586, HP:0003225.

Allele frequency attached by ClinVar (database versions not stated): gnomAD exomes below 0.00001.
gnomAD v4.1: 18 of 1,613,938 alleles (0.0011%); highest among the groups gnomAD compares: South Asian, 0.0022%; no homozygotes.

Submissions (5):

Labcorp Genetics (formerly Invitae), Labcorp
Classification: Uncertain significance for Congenital factor V deficiency. Last evaluated: 2025-08-20. Review status: criteria provided, single submitter. Criteria: Invitae Variant Classification Sherloc (09022015). Collection method: clinical testing. Allele origin: germline.
Comment: This sequence change replaces arginine, which is basic and polar, with glutamine, which is neutral and polar, at codon 1715 of the F5 protein (p.Arg1715Gln). This variant is present in population databases (no rsID available, gnomAD 0.003%). This variant has not been reported in the literature in individuals affected with F5-related conditions. ClinVar contains an entry for this variant (Variation ID: 874864). Invitae Evidence Modeling of protein sequence and biophysical properties (such as structural, functional, and spatial information, amino acid conservation, physicochemical variation, residue mobility, and thermodynamic stability) indicates that this missense variant is not expected to disrupt F5 protein function with a negative predictive value of 80%. In summary, the available evidence is currently insufficient to determine the role of this variant in disease. Therefore, it has been classified as a Variant of Uncertain Significance.

Illumina Laboratory Services, Illumina
Classification: Uncertain significance for Venous thrombosis. Last evaluated: 2018-01-13. Review status: criteria provided, single submitter. Criteria: ICSL Variant Classification Criteria 13 December 2019. Collection method: clinical testing. Allele origin: germline.

Illumina Laboratory Services, Illumina
Classification: Uncertain significance for Thrombophilia due to activated protein C resistance. Last evaluated: 2018-01-13. Review status: criteria provided, single submitter. Criteria: ICSL Variant Classification Criteria 13 December 2019. Collection method: clinical testing. Allele origin: germline.

Illumina Laboratory Services, Illumina
Classification: Uncertain significance for Congenital factor V deficiency. Last evaluated: 2018-01-13. Review status: criteria provided, single submitter. Criteria: ICSL Variant Classification Criteria 13 December 2019. Collection method: clinical testing. Allele origin: germline.

Illumina Laboratory Services, Illumina
Classification: Uncertain significance for Budd-Chiari syndrome. Last evaluated: 2018-01-13. Review status: criteria provided, single submitter. Criteria: ICSL Variant Classification Criteria 13 December 2019. Collection method: clinical testing. Allele origin: germline.